The following is an entry in ClinVar:

ClinVar aggregate classification (germline): Uncertain significance. Review status: criteria provided, multiple submitters, no conflicts (2 of 4 stars). 2 submissions from 2 submitters: Uncertain significance (2). Last evaluated 2026-07-01.

Conditions:
Glycogen storage disease, type II (IOPD). Also called: POMPE DISEASE, INFANTILE-ONSET; GLYCOGEN STORAGE DISEASE II, INFANTILE-ONSET; ACID ALPHA-GLUCOSIDASE DEFICIENCY, INFANTILE-ONSET; GAA DEFICIENCY, INFANTILE-ONSET; ACID MALTASE DEFICIENCY, INFANTILE-ONSET; Glucosidase acid-1,4-alpha deficiency. Identifiers: Orphanet 365, MedGen C0017921, MONDO:0009290, OMIM 232300.

Submissions (2):

Genomenon, Inc
Classification: Uncertain significance for Glycogen storage disease, type II. Last evaluated: 2026-07-01. Review status: criteria provided, single submitter. Criteria: Genomenon Sequence Variant Interpretation Standards - Updated. Collection method: curation. Allele origin: germline. Affected: no.
Comment: GAA p.Leu907Pro (c.2720T>C) is a missense variant that changes the amino acid at codon 907 from Leucine to Proline. This variant has been reported in the published literature (PMID:31342611;33560568). It is absent or not present at a significant frequency in gnomAD. In silico models predict that this variant is possibly or probably damaging. In conclusion, we classify GAA p.Leu907Pro (c.2720T>C) as a variant of uncertain significance.

Revvity Omics, Revvity
Classification: Uncertain significance. Last evaluated: 2025-04-07. Review status: criteria provided, single submitter. Criteria: ACMG Guidelines, 2015. Collection method: clinical testing. Allele origin: germline.

Literature cited by the submitters: PubMed 31342611 (cited by Genomenon, Inc); PubMed 33560568 (cited by Genomenon, Inc).

NM_000152.5(GAA):c.2720T>C (p.Leu907Pro)

Gene: GAA (alpha glucosidase; plus strand). Cytogenetic location: 17q25.3.
Variant type: single nucleotide variant.
Coding change: c.2720T>C on transcript NM_000152.5 (MANE Select); coding-DNA position 2720, T replaced by C.
Protein change: p.Leu907Pro; replaces leucine 907 with proline.
Molecular consequence: missense variant.
Genome position (GRCh38, 1-based): chr17:80,118,726, T>C. VCF-style: chr17-80118726-T-C. GRCh37 (hg19) VCF-style: chr17-78092525-T-C.
Other names: c.2720T>C, p.Leu907Pro (NM_001079803.3, NM_001079804.3, NM_001406741.1 and 1 more transcripts); short protein forms L907P.
Identifiers: ClinVar variation 4078723 (VCV004078723.2).